The following is an entry in ClinVar:

NM_024426.6(WT1):c.840C>G (p.Asp280Glu)

Gene: WT1 (WT1 transcription factor; minus strand). Cytogenetic location: 11p13.
Variant type: single nucleotide variant.
Coding change: c.840C>G on transcript NM_024426.6 (MANE Select); coding-DNA position 840, C replaced by G.
Protein change: p.Asp280Glu; replaces aspartic acid 280 with glutamic acid.
Molecular consequence: missense variant. On other transcripts: non-coding transcript variant (1).
Genome position (GRCh38, 1-based): chr11:32,428,003, G>C on the plus strand (C>G on the coding strand, the complement: WT1 is on the minus strand). VCF-style: chr11-32428003-G-C. GRCh37 (hg19) VCF-style: chr11-32449549-G-C.
Other names: c.189C>G, p.Asp63Glu (NM_001198551.2, NM_001198552.2); c.840C>G, p.Asp280Glu (NM_001407044.1, NM_001407045.1, NM_001407046.1 and 4 more transcripts); c.717C>G, p.Asp239Glu (NM_001407047.1, NM_001407050.1); c.78C>G, p.Asp26Glu (NM_001407051.1); c.825C>G, p.Asp275Glu (NM_024425.2); short protein forms D239E, D26E, D275E, D280E, D63E.
Identifiers: ClinVar variation 1720072 (VCV001720072.6), dbSNP rs1554945044, ClinGen allele CA379962968.

ClinVar aggregate classification (germline): Uncertain significance (1 of 4 stars; one submission).

Conditions:
Wilms tumor 1 (WT1). Also called: Wilms tumor, somatic. Identifiers: Orphanet 654, MedGen CN033288, MONDO:0008679, OMIM 194070.
11p partial monosomy syndrome (WAGR). Also called: WAGR Spectrum Disorder; WAGR syndrome; WAGR Complex; CHROMOSOME 11p13 DELETION SYNDROME. Identifiers: Orphanet 893, MedGen C0206115, MONDO:0008681, OMIM 194072.
Drash syndrome (DDS). Also called: NEPHROPATHY, WILMS TUMOR, AND GENITAL ANOMALIES; WILMS TUMOR AND PSEUDO- OR TRUE HERMAPHRODITISM. Identifiers: Orphanet 220, MedGen C0950121, MONDO:0008682, OMIM 194080.
Frasier syndrome. Identifiers: Orphanet 347, MedGen C0950122, MeSH D052159, MONDO:0007635, OMIM 136680.

Submission:

Labcorp Genetics (formerly Invitae), Labcorp
Classification: Uncertain significance for Wilms tumor 1; Drash syndrome; 11p partial monosomy syndrome; Frasier syndrome. Last evaluated: 2022-09-22. Review status: criteria provided, single submitter. Criteria: Invitae Variant Classification Sherloc (09022015). Collection method: clinical testing. Allele origin: germline.
Comment: This variant is not present in population databases (gnomAD no frequency). In summary, the available evidence is currently insufficient to determine the role of this variant in disease. Therefore, it has been classified as a Variant of Uncertain Significance. Advanced modeling of protein sequence and biophysical properties (such as structural, functional, and spatial information, amino acid conservation, physicochemical variation, residue mobility, and thermodynamic stability) performed at Invitae indicates that this missense variant is not expected to disrupt WT1 protein function. This variant has not been reported in the literature in individuals affected with WT1-related conditions. This sequence change replaces aspartic acid, which is acidic and polar, with glutamic acid, which is acidic and polar, at codon 275 of the WT1 protein (p.Asp275Glu).